The following is an entry in ClinVar:

ClinVar aggregate classification (germline): Conflicting classifications of pathogenicity. Review status: criteria provided, conflicting classifications (1 of 4 stars). 6 submissions from 6 submitters: Uncertain significance (1); Likely benign (3). 2 of the submissions do not count toward it. Last evaluated 2025-12-01.

Conditions:
RPGRIP1L-related disorder. Also called: RPGRIP1L-related condition; RPGRIP1L-related disorders. Identifiers: MedGen CN239416.
Joubert syndrome. Also called: Familial aplasia of the vermis; JOUBERT-BOLTSHAUSER SYNDROME. Identifiers: Orphanet 475, MedGen C5979921, MONDO:0018772.
Meckel-Gruber syndrome. Also called: DYSENCEPHALIA SPLANCHNOCYSTICA; Dysencephalia splachnocystica; GRUBER SYNDROME. Identifiers: Orphanet 564, MedGen C0265215, MONDO:0018921.

Allele frequency attached by ClinVar (database versions not stated): gnomAD 0.00001; TOPMed 0.00005; gnomAD exomes 0.00007 and 0.00015; ExAC 0.00009.
gnomAD v4.1: 43 of 1,612,656 alleles (0.0027%); highest among the groups gnomAD compares: Admixed American, 0.069%; no homozygotes.

Submissions (6):

CeGaT Center for Human Genetics Tuebingen
Classification: Likely benign. Last evaluated: 2025-12-01. Review status: criteria provided, single submitter. Criteria: CeGaT Center For Human Genetics Tuebingen Variant Classification Criteria Version 2. Collection method: clinical testing. Allele origin: germline. Affected: yes. Observed: 1 variant allele.
Comment: RPGRIP1L: BP4, BP7

Labcorp Genetics (formerly Invitae), Labcorp
Classification: Likely benign for Joubert syndrome; Meckel-Gruber syndrome. Last evaluated: 2025-06-12. Review status: criteria provided, single submitter. Criteria: Invitae Variant Classification Sherloc (09022015). Collection method: clinical testing. Allele origin: germline.

Blueprint Genetics
Classification: Likely benign. Last evaluated: 2021-06-03. Review status: criteria provided, single submitter. Criteria: ACMG Guidelines, 2015. Collection method: clinical testing. Allele origin: germline.

Eurofins Ntd Llc (ga)
Classification: Uncertain significance. Last evaluated: 2015-02-20. Review status: criteria provided, single submitter. Criteria: EGL Classification Definitions 2015. Collection method: clinical testing. Allele origin: germline. Observed: 1 variant allele, 1 heterozygote.

PreventionGenetics, part of Exact Sciences
Classification: Likely benign for RPGRIP1L-related condition. Last evaluated: 2024-08-28. Review status: no assertion criteria provided. Collection method: clinical testing. Allele origin: germline. Not counted in ClinVar's aggregate classification.
Comment: This variant is classified as likely benign based on ACMG/AMP sequence variant interpretation guidelines (Richards et al. 2015 PMID: 25741868, with internal and published modifications).

Natera, Inc.
Classification: Uncertain significance for Joubert syndrome. Last evaluated: 2019-11-11. Review status: no assertion criteria provided. Collection method: clinical testing. Allele origin: germline. Not counted in ClinVar's aggregate classification.

NM_015272.5(RPGRIP1L):c.1812A>G (p.Glu604=)

Gene: RPGRIP1L (RPGRIP1 like; minus strand). Cytogenetic location: 16q12.2.
Variant type: single nucleotide variant.
Coding change: c.1812A>G on transcript NM_015272.5 (MANE Select); coding-DNA position 1812, A replaced by G.
Protein change: p.Glu604=; no amino-acid change (glutamic acid 604 retained).
Molecular consequence: synonymous variant.
Genome position (GRCh38, 1-based): chr16:53,652,875, T>C on the plus strand (A>G on the coding strand, the complement: RPGRIP1L is on the minus strand). VCF-style: chr16-53652875-T-C. GRCh37 (hg19) VCF-style: chr16-53686787-T-C.
Other names: c.1812A>G, p.Glu604= (NM_001127897.4, NM_001308334.3, NM_001330538.2); c.1812A>G (NM_015272.4).
Identifiers: ClinVar variation 194542 (VCV000194542.24), dbSNP rs779429646, ClinGen allele CA240561.